The following is an entry in ClinVar:

ClinVar aggregate classification (germline): Likely benign. Review status: criteria provided, multiple submitters, no conflicts (2 of 4 stars). 3 submissions from 3 submitters: Likely benign (3). Last evaluated 2024-02-12.

Allele frequency attached by ClinVar (database versions not stated): gnomAD 0.00001; TOPMed 0.00002; ExAC 0.00004; gnomAD exomes 0.00008; 1000 Genomes Project 30x 0.00016; 1000 Genomes Project 0.00020.
gnomAD v4.1: 51 of 1,612,550 alleles (0.0032%); highest among the groups gnomAD compares: South Asian, 0.052%; no homozygotes.

Submissions (3):

Blueprint Genetics
Classification: Likely benign. Last evaluated: 2024-02-12. Review status: criteria provided, single submitter. Criteria: ACMG Guidelines, 2015. Collection method: clinical testing. Allele origin: germline.

Labcorp Genetics (formerly Invitae), Labcorp
Classification: Likely benign. Last evaluated: 2023-09-09. Review status: criteria provided, single submitter. Criteria: Invitae Variant Classification Sherloc (09022015). Collection method: clinical testing. Allele origin: germline.

GeneDx
Classification: Likely benign. Last evaluated: 2016-11-04. Review status: criteria provided, single submitter. Criteria: GeneDx Variant Classification (06012015). Collection method: clinical testing. Allele origin: germline. Affected: yes.
Comment: This variant is considered likely benign or benign based on one or more of the following criteria: it is a conservative change, it occurs at a poorly conserved position in the protein, it is predicted to be benign by multiple in silico algorithms, and/or has population frequency not consistent with disease.

NM_001171.6(ABCC6):c.3735+18G>A

Gene: ABCC6 (ATP binding cassette subfamily C member 6; minus strand). Cytogenetic location: 16p13.11.
Variant type: single nucleotide variant.
Coding change: c.3735+18G>A on transcript NM_001171.6 (MANE Select); 18 bases into the intron after coding-DNA position 3735, G replaced by A.
Molecular consequence: intron variant.
Genome position (GRCh38, 1-based): chr16:16,159,464, C>T on the plus strand (G>A on the coding strand, the complement: ABCC6 is on the minus strand). VCF-style: chr16-16159464-C-T. GRCh37 (hg19) VCF-style: chr16-16253321-C-T.
Other names: c.3393+18G>A (NM_001351800.1).
Identifiers: ClinVar variation 390878 (VCV000390878.5), dbSNP rs562368920, ClinGen allele CA7925468.